The following is an entry in ClinVar:

ClinVar aggregate classification (germline): Uncertain significance (1 of 4 stars; one submission).

Conditions:
Cardiovascular phenotype. Identifiers: MedGen CN230736.

Submission:

Ambry Genetics
Classification: Uncertain significance for Cardiovascular phenotype. Last evaluated: 2023-10-15. Review status: criteria provided, single submitter. Criteria: Ambry Variant Classification Scheme 2023. Collection method: clinical testing. Allele origin: germline.
Comment: The p.E2699G variant (also known as c.8096A>G), located in coding exon 26 of the APOB gene, results from an A to G substitution at nucleotide position 8096. The glutamic acid at codon 2699 is replaced by glycine, an amino acid with similar properties. This amino acid position is conserved. In addition, this alteration is predicted to be tolerated by in silico analysis. Since supporting evidence is limited at this time, the clinical significance of this alteration remains unclear.

NM_000384.3(APOB):c.8096A>G (p.Glu2699Gly)

Gene: APOB (apolipoprotein B; minus strand). Cytogenetic location: 2p24.1.
Variant type: single nucleotide variant.
Coding change: c.8096A>G on transcript NM_000384.3 (MANE Select); coding-DNA position 8096, A replaced by G.
Protein change: p.Glu2699Gly; replaces glutamic acid 2699 with glycine.
Molecular consequence: missense variant.
Genome position (GRCh38, 1-based): chr2:21,008,772, T>C on the plus strand (A>G on the coding strand, the complement: APOB is on the minus strand). VCF-style: chr2-21008772-T-C. GRCh37 (hg19) VCF-style: chr2-21231644-T-C.
Other names: short protein forms E2699G.
Identifiers: ClinVar variation 3231460 (VCV003231460.1), dbSNP rs2465367145, ClinGen allele CA345995443.